The following is an entry in ClinVar:

ClinVar aggregate classification (germline): Likely pathogenic. Review status: criteria provided, single submitter (1 of 4 stars). 2 submissions from 2 submitters: Likely pathogenic (1). 1 of the submissions does not count toward it. Last evaluated 2022-09-23.

Conditions:
Persistent mullerian duct syndrome, type II. Identifiers: MedGen C3897940.

Allele frequency attached by ClinVar (database versions not stated): TOPMed below 0.00001; gnomAD 0.00001; gnomAD exomes 0.00001; ExAC 0.00002.
gnomAD v4.1: 21 of 1,614,052 alleles (0.0013%); highest among the groups gnomAD compares: Non-Finnish European, 0.0017%; no homozygotes.

Submissions (2):

Labcorp Genetics (formerly Invitae), Labcorp
Classification: Likely pathogenic. Last evaluated: 2022-09-23. Review status: criteria provided, single submitter. Criteria: Invitae Variant Classification Sherloc (09022015). Collection method: clinical testing. Allele origin: germline.
Comment: In summary, the currently available evidence indicates that the variant is pathogenic, but additional data are needed to prove that conclusively. Therefore, this variant has been classified as Likely Pathogenic. Experimental studies have shown that this missense change affects AMHR2 function (PMID: 11549681, 19457927). Advanced modeling of protein sequence and biophysical properties (such as structural, functional, and spatial information, amino acid conservation, physicochemical variation, residue mobility, and thermodynamic stability) performed at Invitae indicates that this missense variant is not expected to disrupt AMHR2 protein function. ClinVar contains an entry for this variant (Variation ID: 8629). This variant is also known as G>A at nt. 6051. This missense change has been observed in individual(s) with clinical features of persistent Mullerian duct syndrome (PMID: 11549681). In at least one individual the data is consistent with being in trans (on the opposite chromosome) from a pathogenic variant. It has also been observed to segregate with disease in related individuals. This variant is present in population databases (rs137853104, gnomAD 0.003%). This sequence change replaces arginine, which is basic and polar, with glutamine, which is neutral and polar, at codon 406 of the AMHR2 protein (p.Arg406Gln).

OMIM
Classification: Pathogenic for PERSISTENT MULLERIAN DUCT SYNDROME, TYPE II. Last evaluated: 2009-08-15. Review status: no assertion criteria provided. Collection method: literature only. Allele origin: germline. Not counted in ClinVar's aggregate classification.

Literature cited by the submitters: PubMed 11549681 (cited by Labcorp Genetics (formerly Invitae), Labcorp and OMIM); PubMed 19457927 (cited by Labcorp Genetics (formerly Invitae), Labcorp and OMIM).

NM_020547.3(AMHR2):c.1217G>A (p.Arg406Gln)

Gene: AMHR2 (anti-Mullerian hormone receptor type 2; plus strand). Cytogenetic location: 12q13.13.
Variant type: single nucleotide variant.
Coding change: c.1217G>A on transcript NM_020547.3 (MANE Select); coding-DNA position 1217, G replaced by A.
Protein change: p.Arg406Gln; replaces arginine 406 with glutamine.
Molecular consequence: missense variant. On other transcripts: intron variant (1).
Genome position (GRCh38, 1-based): chr12:53,429,907, G>A. VCF-style: chr12-53429907-G-A. GRCh37 (hg19) VCF-style: chr12-53823691-G-A.
Other names: c.1217G>A, p.Arg406Gln (NM_001164690.2); c.1140+282G>A (NM_001164691.2); short protein forms R406Q.
Identifiers: ClinVar variation 8629 (VCV000008629.5), dbSNP rs137853104, ClinGen allele CA119789.
Genomic context (GRCh38, chr12:53,429,907, plus strand): 5'-ACATGGCACCAGAGCTCTTGGACAAGACTCTGGACCTACAGGATTGGGGCATGGCCCTCC[G>A]ACGAGCTGATATTTACTCTTTGGCTCTGCTCCTGTGGGAGATACTGAGCCGCTGCCCAGA-3'
Protein context (NP_065434.1, residues 396-416): LDLQDWGMAL[Arg406Gln]RADIYSLALL